The following is an entry in ClinVar:

NM_003470.3(USP7):c.988-12C>G

Gene: USP7 (ubiquitin specific peptidase 7; minus strand). Cytogenetic location: 16p13.2.
Variant type: single nucleotide variant.
Coding change: c.988-12C>G on transcript NM_003470.3 (MANE Select); 12 bases into the intron before coding-DNA position 988, C replaced by G.
Molecular consequence: intron variant.
Genome position (GRCh38, 1-based): chr16:8,915,356, G>C on the plus strand (C>G on the coding strand, the complement: USP7 is on the minus strand). VCF-style: chr16-8915356-G-C. GRCh37 (hg19) VCF-style: chr16-9009213-G-C.
Other names: c.814-12C>G (NM_001321858.2); c.940-12C>G (NM_001286457.2); c.691-12C>G (NM_001286458.2).
Identifiers: ClinVar variation 4986244 (VCV004986244.1).

ClinVar aggregate classification (germline): Likely benign (1 of 4 stars; one submission).

Conditions:
USP7-related disorder. Also called: USP7-related condition.

gnomAD v4.1: 3 of 1,612,888 alleles (0.00019%); highest among the groups gnomAD compares: East Asian, 0.0022%; no homozygotes.

Submission:

PreventionGenetics, part of Exact Sciences
Classification: Likely benign for USP7-related condition. Last evaluated: 2025-09-01. Review status: criteria provided, single submitter. Criteria: ACMG Guidelines, 2015. Collection method: clinical testing. Allele origin: germline.
Comment: This variant is classified as likely benign based on ACMG/AMP sequence variant interpretation guidelines (Richards et al. 2015 PMID: 25741868, with internal and published modifications).